The following is an entry in ClinVar:

ClinVar aggregate classification (germline): Benign. Review status: criteria provided, multiple submitters, no conflicts (2 of 4 stars). 2 submissions from 2 submitters: Benign (2). Last evaluated 2018-06-18.

Allele frequency attached by ClinVar (database versions not stated): 1000 Genomes Project 30x 0.86696; TOPMed 0.86892; 1000 Genomes Project 0.87081; gnomAD 0.88269 and 0.88712; gnomAD exomes 0.94268.
gnomAD v4.1: 535,805 of 577,896 alleles (93%); highest among the groups gnomAD compares: South Asian, 97%; 249,775 homozygotes.

Submissions (2):

GeneDx
Classification: Benign. Last evaluated: 2018-06-18. Review status: criteria provided, single submitter. Criteria: GeneDx Variant Classification (06012015). Collection method: clinical testing. Allele origin: germline. Affected: yes.
Comment: This variant is considered likely benign or benign based on one or more of the following criteria: it is a conservative change, it occurs at a poorly conserved position in the protein, it is predicted to be benign by multiple in silico algorithms, and/or has population frequency not consistent with disease.

Breakthrough Genomics
Classification: Benign. Review status: criteria provided, single submitter. Criteria: ACMG Guidelines, 2015. Collection method: not provided. Allele origin: germline. Inheritance: Autosomal recessive inheritance. Affected: yes.

NM_001077365.2(POMT1):c.986+279T>C

Gene: POMT1 (protein O-mannosyltransferase 1; plus strand). Cytogenetic location: 9q34.13.
Variant type: single nucleotide variant.
Coding change: c.986+279T>C on transcript NM_001077365.2 (MANE Select); 279 bases into the intron after coding-DNA position 986, T replaced by C.
Molecular consequence: intron variant.
Genome position (GRCh38, 1-based): chr9:131,511,746, T>C. VCF-style: chr9-131511746-T-C. GRCh37 (hg19) VCF-style: chr9-134387133-T-C.
Other names: c.890+279T>C (NM_001353198.2, NM_001353197.2); c.1052+279T>C (NM_001353193.2, NM_007171.4); c.986+279T>C (NM_001136113.2, NM_001374690.1); c.824+279T>C (NM_001353194.2, NM_001077366.2, NM_001374693.1); c.635+279T>C (NM_001374691.1, NM_001353195.2, NM_001374692.1 and 1 more transcripts); c.896+279T>C (NM_001353196.2); c.596+279T>C (NM_001374695.1); c.974+274T>C (NM_001374689.1); and 2 more.
Identifiers: ClinVar variation 683944 (VCV000683944.2), dbSNP rs3739493, ClinGen allele CA13040138.